The following is an entry in ClinVar:

ClinVar aggregate classification (germline): Uncertain significance. Review status: criteria provided, multiple submitters, no conflicts (2 of 4 stars). 2 submissions from 2 submitters: Uncertain significance (2). Last evaluated 2025-10-09.

Conditions:
Nemaline myopathy 6 (NEM6). Also called: Nemaline myopathy 6, autosomal dominant. Identifiers: Orphanet 171439, MedGen C1836472, MONDO:0012237, OMIM 609273.

Submissions (2):

Mayo Clinic Laboratories, Mayo Clinic
Classification: Uncertain significance. Last evaluated: 2025-10-09. Review status: criteria provided, single submitter. Criteria: ACMG Guidelines, 2015. Collection method: clinical testing. Allele origin: germline. Observed: 1 variant allele.
Comment: BP4_moderate

Labcorp Genetics (formerly Invitae), Labcorp
Classification: Uncertain significance for Nemaline myopathy 6. Last evaluated: 2025-03-07. Review status: criteria provided, single submitter. Criteria: Invitae Variant Classification Sherloc (09022015). Collection method: clinical testing. Allele origin: germline.
Comment: This sequence change replaces glycine, which is neutral and non-polar, with aspartic acid, which is acidic and polar, at codon 208 of the KBTBD13 protein (p.Gly208Asp). The frequency data for this variant in the population databases is considered unreliable, as metrics indicate poor data quality at this position in the gnomAD database. This variant has not been reported in the literature in individuals affected with KBTBD13-related conditions. ClinVar contains an entry for this variant (Variation ID: 1018749). Invitae Evidence Modeling of protein sequence and biophysical properties (such as structural, functional, and spatial information, amino acid conservation, physicochemical variation, residue mobility, and thermodynamic stability) indicates that this missense variant is not expected to disrupt KBTBD13 protein function with a negative predictive value of 80%. In summary, the available evidence is currently insufficient to determine the role of this variant in disease. Therefore, it has been classified as a Variant of Uncertain Significance.

NM_001101362.3(KBTBD13):c.623G>A (p.Gly208Asp)

Gene: KBTBD13 (kelch repeat and BTB domain containing 13; plus strand). Cytogenetic location: 15q22.31.
Variant type: single nucleotide variant.
Coding change: c.623G>A on transcript NM_001101362.3 (MANE Select); coding-DNA position 623, G replaced by A.
Protein change: p.Gly208Asp; replaces glycine 208 with aspartic acid.
Molecular consequence: missense variant.
Genome position (GRCh38, 1-based): chr15:65,077,438, G>A. VCF-style: chr15-65077438-G-A. GRCh37 (hg19) VCF-style: chr15-65369776-G-A.
Other names: p.Gly208Asp; c.623G>A (NM_001101362.2); short protein forms G208D.
Identifiers: ClinVar variation 1018749 (VCV001018749.9), dbSNP rs1198118426, ClinGen allele CA392861810.